The following is an entry in ClinVar:

ClinVar aggregate classification (germline): Uncertain significance (1 of 4 stars; one submission).

Submission:

CeGaT Center for Human Genetics Tuebingen
Classification: Uncertain significance. Last evaluated: 2024-12-01. Review status: criteria provided, single submitter. Criteria: CeGaT Center For Human Genetics Tuebingen Variant Classification Criteria Version 2. Collection method: clinical testing. Allele origin: germline. Affected: yes. Observed: 1 variant allele.
Comment: TRRAP: PM2, PP2

NM_001375524.1(TRRAP):c.4529C>T (p.Pro1510Leu)

Gene: TRRAP (transformation/transcription domain associated protein; plus strand). Cytogenetic location: 7q22.1.
Variant type: single nucleotide variant.
Coding change: c.4529C>T on transcript NM_001375524.1 (MANE Select); coding-DNA position 4529, C replaced by T.
Protein change: p.Pro1510Leu; replaces proline 1510 with leucine.
Molecular consequence: missense variant. On other transcripts: intron variant (2).
Genome position (GRCh38, 1-based): chr7:98,945,931, C>T. VCF-style: chr7-98945931-C-T. GRCh37 (hg19) VCF-style: chr7-98543554-C-T.
Other names: c.4527+131C>T (NM_001244580.2); c.4474-2290C>T (NM_003496.4); short protein forms P1510L.
Identifiers: ClinVar variation 3772091 (VCV003772091.13).